The following is an entry in ClinVar:

NM_006231.4(POLE):c.5379-1G>A

Gene: POLE (DNA polymerase epsilon, catalytic subunit; minus strand). Cytogenetic location: 12q24.33.
Variant type: single nucleotide variant.
Coding change: c.5379-1G>A on transcript NM_006231.4 (MANE Select); the canonical splice acceptor site of the intron before coding-DNA position 5379, G replaced by A.
Molecular consequence: splice acceptor variant.
Genome position (GRCh38, 1-based): chr12:132,639,299, C>T on the plus strand (G>A on the coding strand, the complement: POLE is on the minus strand). VCF-style: chr12-132639299-C-T. GRCh37 (hg19) VCF-style: chr12-133215885-C-T.
Identifiers: ClinVar variation 4141077 (VCV004141077.1).

ClinVar aggregate classification (germline): Uncertain significance (1 of 4 stars; one submission).

Conditions:
Hereditary cancer-predisposing syndrome. Also called: Hereditary neoplastic syndrome; Neoplastic Syndromes, Hereditary; Tumor predisposition; Hereditary Cancer Syndrome. Identifiers: Orphanet 140162, MedGen C0027672, MeSH D009386, MONDO:0015356.

gnomAD v4.1: 4 of 1,613,770 alleles (0.00025%); highest among the groups gnomAD compares: Non-Finnish European, 0.00034%; no homozygotes.

Submission:

Ambry Genetics
Classification: Uncertain significance for Hereditary cancer-predisposing syndrome. Last evaluated: 2025-07-18. Review status: criteria provided, single submitter. Criteria: Ambry Variant Classification Scheme 2023. Collection method: clinical testing. Allele origin: germline.
Comment: The c.5379-1G>A intronic variant results from a G to A substitution one nucleotide upstream from coding exon 40 of the POLE gene. This nucleotide position is highly conserved in available vertebrate species. In silico splice site analysis predicts that this alteration will weaken the native splice acceptor site and will result in the creation or strengthening of a novel splice acceptor site. Alterations that disrupt the canonical splice site are expected to cause aberrant splicing, resulting in an abnormal protein or a transcript that is subject to nonsense-mediated mRNA decay. Although biallelic loss of function of POLE has been associated with autosomal recessive POLE deficiency, haploinsufficiency of POLE has not been established as a mechanism of disease for POLE-related polymerase proofreading-associated polyposis (PPAP) and POLE-related CMMRD-like syndrome. Based on the supporting evidence, this variant is expected to be likely pathogenic for POLE deficiency when present along with a second pathogenic variant on the other allele; however, its clinical significance for PPAP and POLE-related CMMRD-like syndrome is unclear.